The following is an entry in ClinVar:

NM_007294.4(BRCA1):c.2820T>A (p.Asp940Glu)

Gene: BRCA1 (BRCA1 DNA repair associated; minus strand). Cytogenetic location: 17q21.31.
Variant type: single nucleotide variant.
Coding change: c.2820T>A on transcript NM_007294.4 (MANE Select); coding-DNA position 2820, T replaced by A.
Protein change: p.Asp940Glu; replaces aspartic acid 940 with glutamic acid.
Molecular consequence: missense variant. On other transcripts: intron variant (137).
Genome position (GRCh38, 1-based): chr17:43,092,711, A>T on the plus strand (T>A on the coding strand, the complement: BRCA1 is on the minus strand). VCF-style: chr17-43092711-A-T. GRCh37 (hg19) VCF-style: chr17-41244728-A-T.
Other names: c.521-1679T>A (NM_001408504.1, NM_001408503.1, NM_001408505.1); c.644-1679T>A (NM_001408463.1, NM_001408462.1, NM_001408470.1 and 3 more transcripts); c.524-1679T>A (NM_001408499.1, NM_001408498.1, NM_001408501.1 and 3 more transcripts); c.671-1679T>A (NM_001408422.1, NM_001408418.1, NM_001408423.1 and 2 more transcripts); c.707-1679T>A (NM_001408416.1, NM_001408413.1); c.578-1679T>A (NM_001408484.1, NM_001408478.1, NM_001408514.1 and 9 more transcripts); c.662-1679T>A (NM_001408450.1, NM_001408434.1, NM_001408447.1 and 6 more transcripts); c.785-1679T>A (NM_001408398.1, NM_001407992.1, NM_001408400.1 and 13 more transcripts); and 41 more; short protein forms D813E, D852E, D898E, D940E, D899E, D937E, D828E, D893E.
Identifiers: ClinVar variation 1796448 (VCV001796448.9), dbSNP rs1414992991, ClinGen allele CA10596353.

ClinVar aggregate classification (germline): Conflicting classifications of pathogenicity. Review status: criteria provided, conflicting classifications (1 of 4 stars). 3 submissions from 3 submitters: Uncertain significance (2); Likely benign (1). Last evaluated 2023-03-23.

Conditions:
Hereditary cancer-predisposing syndrome. Also called: Tumor predisposition; Hereditary Cancer Syndrome; Neoplastic Syndromes, Hereditary; Hereditary neoplastic syndrome. Identifiers: Orphanet 140162, MedGen C0027672, MeSH D009386, MONDO:0015356.
Hereditary breast ovarian cancer syndrome. Also called: Hereditary breast and ovarian cancer; Hereditary breast and ovarian cancer syndrome; Breast and ovarian cancer; Hereditary breast and/or ovarian cancer syndrome; BRCA1- and BRCA2-Associated Hereditary Breast and Ovarian Cancer; Hereditary breast and ovarian cancer syndrome (HBOC). Identifiers: Orphanet 145, MedGen C0677776, MeSH D061325, MONDO:0003582. Disease mechanism: loss of function.

Submissions (3):

University of Washington Department of Laboratory Medicine, University of Washington
Classification: Likely benign for Hereditary cancer-predisposing syndrome. Last evaluated: 2023-03-23. Review status: criteria provided, single submitter. Criteria: Dines et al. (Genet Med. 2020). Collection method: curation. Allele origin: germline.
Comment: Missense variant in a coldspot region where missense variants are very unlikely to be pathogenic (PMID:31911673).

BRCA1 coldspot (exon 11 using historical exon numbering). Reclassification based on statistical prior probability

Labcorp Genetics (formerly Invitae), Labcorp
Classification: Uncertain significance for Hereditary breast ovarian cancer syndrome. Last evaluated: 2022-05-27. Review status: criteria provided, single submitter. Criteria: Invitae Variant Classification Sherloc (09022015). Collection method: clinical testing. Allele origin: germline.
Comment: This variant is not present in population databases (gnomAD no frequency). This sequence change replaces aspartic acid, which is acidic and polar, with glutamic acid, which is acidic and polar, at codon 940 of the BRCA1 protein (p.Asp940Glu). This variant has not been reported in the literature in individuals affected with BRCA1-related conditions. Advanced modeling of protein sequence and biophysical properties (such as structural, functional, and spatial information, amino acid conservation, physicochemical variation, residue mobility, and thermodynamic stability) performed at Invitae indicates that this missense variant is not expected to disrupt BRCA1 protein function. In summary, the available evidence is currently insufficient to determine the role of this variant in disease. Therefore, it has been classified as a Variant of Uncertain Significance.

Ambry Genetics
Classification: Uncertain significance for Hereditary cancer-predisposing syndrome. Last evaluated: 2021-12-06. Review status: criteria provided, single submitter. Criteria: Ambry Variant Classification Scheme 2023. Collection method: clinical testing. Allele origin: germline.
Comment: The p.D940E variant (also known as c.2820T>A), located in coding exon 9 of the BRCA1 gene, results from a T to A substitution at nucleotide position 2820. The aspartic acid at codon 940 is replaced by glutamic acid, an amino acid with highly similar properties. This amino acid position is not well conserved in available vertebrate species. In addition, this alteration is predicted to be tolerated by in silico analysis. Since supporting evidence is limited at this time, the clinical significance of this alteration remains unclear.